The following is an entry in ClinVar:

ClinVar aggregate classification (germline): Likely benign (1 of 4 stars; one submission).

gnomAD v4.1: 225 of 1,613,552 alleles (0.014%); highest among the groups gnomAD compares: African/African-American, 0.23%; no homozygotes.

Submission:

CeGaT Center for Human Genetics Tuebingen
Classification: Likely benign. Last evaluated: 2026-01-01. Review status: criteria provided, single submitter. Criteria: CeGaT Center For Human Genetics Tuebingen Variant Classification Criteria Version 2. Collection method: clinical testing. Allele origin: germline. Affected: yes. Observed: 1 variant allele.
Comment: IGFN1: BP4, BP7

NM_001164586.2(IGFN1):c.10932C>T (p.His3644=)

Gene: IGFN1 (immunoglobulin like and fibronectin type III domain containing 1; plus strand). Cytogenetic location: 1q32.1.
Variant type: single nucleotide variant.
Coding change: c.10932C>T on transcript NM_001164586.2 (MANE Select); coding-DNA position 10932, C replaced by T.
Protein change: p.His3644=; no amino-acid change (histidine 3644 retained).
Molecular consequence: synonymous variant.
Genome position (GRCh38, 1-based): chr1:201,227,027, C>T. VCF-style: chr1-201227027-C-T. GRCh37 (hg19) VCF-style: chr1-201196155-C-T.
Other names: c.3561C>T, p.His1187= (NM_001367841.1).
Identifiers: ClinVar variation 4821940 (VCV004821940.4).